The following is an entry in ClinVar:

NM_000038.6(APC):c.6654A>G (p.Gln2218=)

Gene: APC (APC regulator of Wnt signaling pathway; plus strand). Cytogenetic location: 5q22.2.
Variant type: single nucleotide variant.
Coding change: c.6654A>G on transcript NM_000038.6 (MANE Select); coding-DNA position 6654, A replaced by G.
Protein change: p.Gln2218=; no amino-acid change (glutamine 2218 retained).
Molecular consequence: synonymous variant.
Genome position (GRCh38, 1-based): chr5:112,842,248, A>G. VCF-style: chr5-112842248-A-G. GRCh37 (hg19) VCF-style: chr5-112177945-A-G.
Other names: c.6654A>G, p.Gln2218= (NM_001127510.3, NM_001354895.2); c.6600A>G, p.Gln2200= (NM_001127511.3); c.6708A>G, p.Gln2236= (NM_001354896.2); c.6684A>G, p.Gln2228= (NM_001354897.2); c.6579A>G, p.Gln2193= (NM_001354898.2); c.6570A>G, p.Gln2190= (NM_001354899.2); c.6531A>G, p.Gln2177= (NM_001354900.2); c.6477A>G, p.Gln2159= (NM_001354901.2); and 5 more.
Identifiers: ClinVar variation 388084 (VCV000388084.13), dbSNP rs1057522994, ClinGen allele CA16604670.
Genomic context (GRCh38, chr5:112,842,248, plus strand): 5'-GATTACTGGAAAAGTTCGATCTAATTCAGAAATTTCAGGCCAAATGAAACAGCCCCTTCA[A>G]GCAAACATGCCTTCAATCTCTCGAGGCAGGACAATGATTCATATTCCAGGAGTTCGAAAT-3'
Protein context (NP_000029.2, residues 2208-2228): EISGQMKQPL[Gln2218=]ANMPSISRGR

ClinVar aggregate classification (germline): Benign/Likely benign. Review status: criteria provided, multiple submitters, no conflicts (2 of 4 stars). 5 submissions from 5 submitters: Benign (1); Likely benign (4). Last evaluated 2024-04-05.

Conditions:
Hereditary cancer-predisposing syndrome. Also called: Hereditary Cancer Syndrome; Hereditary neoplastic syndrome; Neoplastic Syndromes, Hereditary; Tumor predisposition. Identifiers: Orphanet 140162, MedGen C0027672, MeSH D009386, MONDO:0015356.
Familial adenomatous polyposis 1 (FAP1). Also called: FAMILIAL ADENOMATOUS POLYPOSIS 1, ATTENUATED; POLYPOSIS, ADENOMATOUS INTESTINAL. Identifiers: MedGen C2713442, MONDO:0021056, OMIM 175100. Disease mechanism: loss of function.

Allele frequency attached by ClinVar (database versions not stated): TOPMed below 0.00001; gnomAD 0.00001.
gnomAD v4.1: 1 of 1,613,976 alleles (0.000062%); highest among the groups gnomAD compares: Non-Finnish European, 0.000085%; no homozygotes.

Submissions (5):

Myriad Genetics, Inc.
Classification: Benign for Familial adenomatous polyposis 1. Last evaluated: 2024-04-05. Review status: criteria provided, single submitter. Criteria: Myriad Autosomal Dominant, Autosomal Recessive and X-Linked Classification Criteria (2023). Collection method: clinical testing. Allele origin: unknown.
Comment: This variant is considered benign. This variant is a silent/synonymous amino acid change and it is not expected to impact splicing.

Labcorp Genetics (formerly Invitae), Labcorp
Classification: Likely benign for Familial adenomatous polyposis 1. Last evaluated: 2024-02-28. Review status: criteria provided, single submitter. Criteria: Invitae Variant Classification Sherloc (09022015). Collection method: clinical testing. Allele origin: germline.

Color Diagnostics, LLC DBA Color Health
Classification: Likely benign for Hereditary cancer-predisposing syndrome. Last evaluated: 2020-03-01. Review status: criteria provided, single submitter. Criteria: ACMG Guidelines, 2015. Collection method: clinical testing. Allele origin: germline.

Ambry Genetics
Classification: Likely benign for Hereditary cancer-predisposing syndrome. Last evaluated: 2017-12-08. Review status: criteria provided, single submitter. Criteria: Ambry Variant Classification Scheme 2023. Collection method: clinical testing. Allele origin: germline.

GeneDx
Classification: Likely benign. Last evaluated: 2016-07-25. Review status: criteria provided, single submitter. Criteria: GeneDx Variant Classification (06012015). Collection method: clinical testing. Allele origin: germline. Affected: yes.
Comment: This variant is considered likely benign or benign based on one or more of the following criteria: it is a conservative change, it occurs at a poorly conserved position in the protein, it is predicted to be benign by multiple in silico algorithms, and/or has population frequency not consistent with disease.